The following is an entry in ClinVar:

NM_002087.4(GRN):c.1439A>G (p.His480Arg)

Gene: GRN (granulin precursor; plus strand). Cytogenetic location: 17q21.31.
Variant type: single nucleotide variant.
Coding change: c.1439A>G on transcript NM_002087.4 (MANE Select); coding-DNA position 1439, A replaced by G.
Protein change: p.His480Arg; replaces histidine 480 with arginine.
Molecular consequence: missense variant.
Genome position (GRCh38, 1-based): chr17:44,352,366, A>G. VCF-style: chr17-44352366-A-G. GRCh37 (hg19) VCF-style: chr17-42429734-A-G.
Other names: short protein forms H480R.
Identifiers: ClinVar variation 4790425 (VCV004790425.1).

ClinVar aggregate classification (germline): Uncertain significance (1 of 4 stars; one submission).

Conditions:
Neuronal ceroid lipofuscinosis 11. Also called: GRN-Related Neuronal Ceroid-Lipofuscinosis. Identifiers: Orphanet 314629, Orphanet 79262, MedGen C3539123, MONDO:0013866, OMIM 614706.
GRN-related frontotemporal lobar degeneration with Tdp43 inclusions (FTD2). Also called: DEMENTIA, HEREDITARY DYSPHASIC DISINHIBITION; FRONTOTEMPORAL LOBAR DEGENERATION WITH UBIQUITIN-POSITIVE INCLUSIONS; FTLD-TDP, GRN-RELATED; FRONTOTEMPORAL DEMENTIA WITH TDP43 INCLUSIONS, GRN-RELATED; GRN Frontotemporal Dementia. Identifiers: Orphanet 100070, Orphanet 282, MedGen C1843792, MONDO:0011842, OMIM 607485. Disease mechanism: loss of function.

gnomAD v4.1: 4 of 1,613,602 alleles (0.00025%); highest among the groups gnomAD compares: Admixed American, 0.0067%; no homozygotes.

Submission:

Labcorp Genetics (formerly Invitae), Labcorp
Classification: Uncertain significance for Neuronal ceroid lipofuscinosis 11; GRN-related frontotemporal lobar degeneration with Tdp43 inclusions. Last evaluated: 2025-01-28. Review status: criteria provided, single submitter. Criteria: Invitae Variant Classification Sherloc (09022015). Collection method: clinical testing. Allele origin: germline.
Comment: This sequence change replaces histidine, which is basic and polar, with arginine, which is basic and polar, at codon 480 of the GRN protein (p.His480Arg). This variant is present in population databases (rs775533893, gnomAD 0.01%). This variant has not been reported in the literature in individuals affected with GRN-related conditions. Invitae Evidence Modeling of protein sequence and biophysical properties (such as structural, functional, and spatial information, amino acid conservation, physicochemical variation, residue mobility, and thermodynamic stability) indicates that this missense variant is expected to disrupt GRN protein function with a positive predictive value of 80%. In summary, the available evidence is currently insufficient to determine the role of this variant in disease. Therefore, it has been classified as a Variant of Uncertain Significance.